The following is an entry in ClinVar:

NM_006939.4(SOS2):c.3733G>A (p.Asp1245Asn)

Gene: SOS2 (SOS Ras/Rho guanine nucleotide exchange factor 2; minus strand). Cytogenetic location: 14q21.3.
Variant type: single nucleotide variant.
Coding change: c.3733G>A on transcript NM_006939.4 (MANE Select); coding-DNA position 3733, G replaced by A.
Protein change: p.Asp1245Asn; replaces aspartic acid 1245 with asparagine.
Molecular consequence: missense variant.
Genome position (GRCh38, 1-based): chr14:50,118,610, C>T on the plus strand (G>A on the coding strand, the complement: SOS2 is on the minus strand). VCF-style: chr14-50118610-C-T. GRCh37 (hg19) VCF-style: chr14-50585328-C-T.
Other names: c.3634G>A, p.Asp1212Asn (NM_001411020.1); short protein forms D1212N, D1245N.
Identifiers: ClinVar variation 5016933 (VCV005016933.1).

ClinVar aggregate classification (germline): Uncertain significance (1 of 4 stars; one submission).

Submission:

GeneDx
Classification: Uncertain significance. Last evaluated: 2026-03-17. Review status: criteria provided, single submitter. Criteria: GeneDx Variant Classification Process June 2021. Collection method: clinical testing. Allele origin: germline.
Comment: Not observed at significant frequency in large population cohorts (gnomAD); In silico analysis suggests that this missense variant does not alter protein structure/function; Has not been previously published as pathogenic or benign to our knowledge